The following is an entry in ClinVar:

ClinVar aggregate classification (germline): Uncertain significance. Review status: criteria provided, multiple submitters, no conflicts (2 of 4 stars). 3 submissions from 3 submitters: Uncertain significance (2). 1 of the submissions does not count toward it. Last evaluated 2025-02-20.

Conditions:
Hermansky-Pudlak syndrome (HPS). Also called: ALBINISM WITH HEMORRHAGIC DIATHESIS AND PIGMENTED RETICULOENDOTHELIAL CELLS. Identifiers: Orphanet 79430, MedGen C0079504, MONDO:0019312.

Allele frequency attached by ClinVar (database versions not stated): gnomAD exomes 0.00001 and below 0.00001; gnomAD 0.00001; TOPMed below 0.00001.
gnomAD v4.1: 6 of 1,558,516 alleles (0.00038%); highest among the groups gnomAD compares: Admixed American, 0.0019%; no homozygotes.

Submissions (3):

Mayo Clinic Laboratories, Mayo Clinic
Classification: Uncertain significance. Last evaluated: 2025-02-20. Review status: criteria provided, single submitter. Criteria: ACMG Guidelines, 2015. Collection method: clinical testing. Allele origin: germline. Observed: 1 variant allele.
Comment: BP4_moderate, PM2_supporting

Laboratory for Molecular Medicine, Mass General Brigham Personalized Medicine
Classification: Uncertain significance. Last evaluated: 2014-03-14. Review status: criteria provided, single submitter. Criteria: LMM Criteria. Collection method: clinical testing. Allele origin: germline. Observed: 1 variant allele.
Comment: The Arg158Cys variant in HPS1 has not been reported in individuals with pulmonar y disease and data from large population studies is insufficient to assess the f requency of this variant. Computational prediction tools and conservation analys es suggest that this variant may not impact the protein, though this information is not predictive enough to rule out pathogenicity. In summary, additional info rmation is needed to fully assess the clinical significance of the Arg158Cys var iant.

Natera, Inc.
Classification: Uncertain significance for Hermansky-Pudlak syndrome. Last evaluated: 2021-05-10. Review status: no assertion criteria provided. Collection method: clinical testing. Allele origin: germline. Not counted in ClinVar's aggregate classification.

NM_000195.5(HPS1):c.472C>T (p.Arg158Cys)

Gene: HPS1 (HPS1 biogenesis of lysosomal organelles complex 3 subunit 1; minus strand). Cytogenetic location: 10q24.2.
Variant type: single nucleotide variant.
Coding change: c.472C>T on transcript NM_000195.5 (MANE Select); coding-DNA position 472, C replaced by T.
Protein change: p.Arg158Cys; replaces arginine 158 with cysteine.
Molecular consequence: missense variant. On other transcripts: 5 prime UTR variant (3).
Genome position (GRCh38, 1-based): chr10:98,434,018, G>A on the plus strand (C>T on the coding strand, the complement: HPS1 is on the minus strand). VCF-style: chr10-98434018-G-A. GRCh37 (hg19) VCF-style: chr10-100193775-G-A.
Other names: c.-445C>T (NM_001311345.2, NM_001322489.2); c.472C>T, p.Arg158Cys (NM_001322476.2, NM_001322477.2, NM_001322478.2 and 5 more transcripts); c.329C>T, p.Pro110Leu (NM_001322480.2, NM_001322481.2, NM_001322482.2); c.103C>T, p.Arg35Cys (NM_001322483.2, NM_001322484.2, NM_001322485.2); c.-544C>T (NM_001322487.2); short protein forms R158C, P110L, R35C.
Identifiers: ClinVar variation 179629 (VCV000179629.6), dbSNP rs727505003, ClinGen allele CA184809.